The following is an entry in ClinVar:

ClinVar aggregate classification (germline): Uncertain significance (1 of 4 stars; one submission).

Allele frequency attached by ClinVar (database versions not stated): gnomAD exomes below 0.00001.
gnomAD v4.1: 2 of 1,614,196 alleles (0.00012%); highest among the groups gnomAD compares: Non-Finnish European, 0.00017%; no homozygotes.

Submission:

Labcorp Genetics (formerly Invitae), Labcorp
Classification: Uncertain significance. Last evaluated: 2024-09-14. Review status: criteria provided, single submitter. Criteria: Invitae Variant Classification Sherloc (09022015). Collection method: clinical testing. Allele origin: germline.
Comment: This sequence change replaces lysine, which is basic and polar, with glutamic acid, which is acidic and polar, at codon 444 of the ANKZF1 protein (p.Lys444Glu). This variant is not present in population databases (gnomAD no frequency). This variant has not been reported in the literature in individuals affected with ANKZF1-related conditions. An algorithm developed to predict the effect of missense changes on protein structure and function (PolyPhen-2) suggests that this variant is likely to be tolerated. In summary, the available evidence is currently insufficient to determine the role of this variant in disease. Therefore, it has been classified as a Variant of Uncertain Significance.

NM_018089.3(ANKZF1):c.1330A>G (p.Lys444Glu)

Gene: ANKZF1 (ankyrin repeat and zinc finger peptidyl tRNA hydrolase 1; plus strand). Cytogenetic location: 2q35.
Variant type: single nucleotide variant.
Coding change: c.1330A>G on transcript NM_018089.3 (MANE Select); coding-DNA position 1330, A replaced by G.
Protein change: p.Lys444Glu; replaces lysine 444 with glutamic acid.
Molecular consequence: missense variant.
Genome position (GRCh38, 1-based): chr2:219,234,951, A>G. VCF-style: chr2-219234951-A-G. GRCh37 (hg19) VCF-style: chr2-220099673-A-G.
Other names: c.700A>G, p.Lys234Glu (NM_001282792.2); c.1330A>G, p.Lys444Glu (NM_001042410.2); short protein forms K234E, K444E.
Identifiers: ClinVar variation 2809095 (VCV002809095.3), dbSNP rs994031957, ClinGen allele CA65971868.
Genomic context (GRCh38, chr2:219,234,951, plus strand): 5'-ACTCTGGATCTTTGTGAGTCTGAAGTATTGCCCAAGCGGAGGAGGAGAAAAAGGAATAAG[A>G]AGGAGAAAAGCCGAGACCAGGAGGCTGGGGCACATCGGACTCTTCTCCAGCAAACTCAAG-3'
Protein context (NP_060559.2, residues 434-454): PKRRRRKRNK[Lys444Glu]EKSRDQEAGA